The following is an entry in ClinVar:

ClinVar aggregate classification (germline): Uncertain significance. Review status: criteria provided, multiple submitters, no conflicts (2 of 4 stars). 3 submissions from 3 submitters: Uncertain significance (3). Last evaluated 2026-07-28.

Conditions:
SLC4A1-related disorder. Also called: SLC4A1-related condition; SLC4A1-related disorders.
Southeast Asian ovalocytosis. Also called: Elliptocytosis 4; Stomatocytic elliptocytosis, hereditary; Ovalocytosis, Malaysian-Melanesian-Filipino type; HE, STOMATOCYTIC. Identifiers: Orphanet 98868, MedGen C1862322, MONDO:0008165, OMIM 166900.
Malaria, susceptibility to. Identifiers: Orphanet 673, MedGen C1970028, MONDO:0021024, OMIM 611162.
Autosomal dominant distal renal tubular acidosis (DRTA1). Also called: RTA, CLASSIC TYPE; RTA, DISTAL TYPE, AUTOSOMAL DOMINANT; RTA, GRADIENT TYPE; Renal Tubular Acidosis, Type I; RENAL TUBULAR ACIDOSIS, DISTAL, 1. Identifiers: Orphanet 93608, MedGen CN280572, MONDO:0008368, OMIM 179800.
Renal tubular acidosis, distal, 4, with hemolytic anemia. Also called: Renal Tubular Acidosis, Distal, with Hemolytic Anemia. Identifiers: Orphanet 93610, MedGen C5436235, MONDO:0012700, OMIM 611590.
Cryohydrocytosis. Also called: Hereditary cryohydrocytosis with normal stomatin; STOMATOCYTOSIS, COLD-SENSITIVE; CRYOHYDROCYTOSIS DUE TO BAND 3 HEMEL; CRYOHYDROCYTOSIS DUE TO BAND 3 HURSTPIERPOINT; CRYOHYDROCYTOSIS DUE TO BAND 3 BLACKBURN. Identifiers: Orphanet 398088, MedGen C1861453, MONDO:0008494, OMIM 185020.
Hereditary spherocytosis type 4. Also called: SLC4A1-Related Spherocytosis. Identifiers: Orphanet 822, MedGen C2675212, MONDO:0012981, OMIM 612653.
BLOOD GROUP, WALDNER (WD). Also called: WALDNER BLOOD GROUP ANTIGEN. Identifiers: MedGen C1862191, OMIM 112010.
BLOOD GROUP--FROESE (FR). Also called: FROESE BLOOD GROUP ANTIGEN. Identifiers: MedGen C1832168, OMIM 601551.
BLOOD GROUP--WRIGHT ANTIGEN (WR). Identifiers: MedGen C1862190, OMIM 112050.
BLOOD GROUP--DIEGO SYSTEM (DI). Identifiers: MedGen C1292286, OMIM 110500.
BLOOD GROUP--SWANN SYSTEM (SW). Also called: SWANN BLOOD GROUP. Identifiers: MedGen C1832169, OMIM 601550.

Allele frequency attached by ClinVar (database versions not stated): ExAC 0.00001; gnomAD 0.00001; gnomAD exomes 0.00001; TOPMed 0.00001.
gnomAD v4.1: 10 of 1,612,892 alleles (0.00062%); highest among the groups gnomAD compares: Admixed American, 0.0017%; no homozygotes.

Submissions (3):

PreventionGenetics, part of Exact Sciences
Classification: Uncertain significance for SLC4A1-related condition. Last evaluated: 2026-07-28. Review status: criteria provided, single submitter. Criteria: ACMG Guidelines, 2015. Collection method: clinical testing. Allele origin: germline.
Comment: The SLC4A1 c.2612G>A variant is predicted to result in the amino acid substitution p.Arg871His. To our knowledge, this variant has not been reported in the literature. This variant is reported in 0.0027% of alleles in individuals of European (Non-Finnish) descent in gnomAD. At this time, the clinical significance of this variant is uncertain due to the absence of conclusive functional and genetic evidence.

Fulgent Genetics
Classification: Uncertain significance for BLOOD GROUP--DIEGO SYSTEM; BLOOD GROUP, WALDNER; BLOOD GROUP--WRIGHT ANTIGEN; Southeast Asian ovalocytosis; Autosomal dominant distal renal tubular acidosis; Cryohydrocytosis; BLOOD GROUP--SWANN SYSTEM; BLOOD GROUP--FROESE; Malaria, susceptibility to; Renal tubular acidosis, distal, 4, with hemolytic anemia; Hereditary spherocytosis type 4. Last evaluated: 2022-03-17. Review status: criteria provided, single submitter. Criteria: ACMG Guidelines, 2015. Collection method: clinical testing. Allele origin: unknown.

GeneDx
Classification: Uncertain significance. Last evaluated: 2017-09-18. Review status: criteria provided, single submitter. Criteria: GeneDx Variant Classification (06012015). Collection method: clinical testing. Allele origin: germline. Affected: yes.
Comment: The R871H variant in the SLC4A1 gene has not been reported previously as a pathogenic variant, nor as a benign variant, to our knowledge. The R871H variant is observed in 1/52174 (0.002%) alleles from individuals of non-Finnish background, in the ExAC dataset (Lek et al., 2016). The R871H variant is a conservative amino acid substitution, which is not likely to impact secondary protein structure as these residues share similar properties. This substitution occurs at a position that is not conserved. In silico analysis is inconsistent in its predictions as to whether or not the variant is damaging to the protein structure/function. We interpret R871H as a variant of uncertain significance

NM_000342.4(SLC4A1):c.2612G>A (p.Arg871His)

Gene: SLC4A1 (solute carrier family 4 member 1 (Diego blood group); minus strand). Cytogenetic location: 17q21.31.
Variant type: single nucleotide variant.
Coding change: c.2612G>A on transcript NM_000342.4 (MANE Select); coding-DNA position 2612, G replaced by A.
Protein change: p.Arg871His; replaces arginine 871 with histidine.
Molecular consequence: missense variant.
Genome position (GRCh38, 1-based): chr17:44,251,202, C>T on the plus strand (G>A on the coding strand, the complement: SLC4A1 is on the minus strand). VCF-style: chr17-44251202-C-T. GRCh37 (hg19) VCF-style: chr17-42328570-C-T.
Other names: short protein forms R871H.
Identifiers: ClinVar variation 452023 (VCV000452023.4), dbSNP rs781396793, ClinGen allele CA8599991.
Genomic context (GRCh38, chr17:44,251,202, plus strand): 5'-CCCAGGCAGCCACTCACACACTGAAGCTCCACGTTCCTGAAGATGAGCGGCAGCAGGACG[C>T]GCCGCAGCGGCACAGTGAGGATGAGGACGAAGGGCAGGGCCAGGGAGGCCGGCGTGGACT-3'
Protein context (NP_000333.1, residues 861-881): FVLILTVPLR[Arg871His]VLLPLIFRNV